The following is an entry in ClinVar:

ClinVar aggregate classification (germline): Likely benign. Review status: criteria provided, multiple submitters, no conflicts (2 of 4 stars). 3 submissions from 3 submitters: Likely benign (3). Last evaluated 2025-08-11.

Conditions:
Cardiovascular phenotype. Identifiers: MedGen CN230736.
Dilated cardiomyopathy 1G (CMD1G). Identifiers: Orphanet 154, MedGen C1858763, MONDO:0011400, OMIM 604145.
Autosomal recessive limb-girdle muscular dystrophy type 2J (LGMDR10). Also called: Limb-girdle muscular dystrophy, type 2J; MUSCULAR DYSTROPHY, LIMB-GIRDLE, AUTOSOMAL RECESSIVE 10. Identifiers: Orphanet 140922, MedGen C1837342, MONDO:0012127, OMIM 608807.

Allele frequency attached by ClinVar (database versions not stated): gnomAD 0.00001; gnomAD exomes 0.00001; ExAC 0.00002.
gnomAD v4.1: 12 of 1,612,862 alleles (0.00074%); highest among the groups gnomAD compares: East Asian, 0.013%; no homozygotes.

Submissions (3):

Labcorp Genetics (formerly Invitae), Labcorp
Classification: Likely benign for Dilated cardiomyopathy 1G; Autosomal recessive limb-girdle muscular dystrophy type 2J. Last evaluated: 2025-08-11. Review status: criteria provided, single submitter. Criteria: Invitae Variant Classification Sherloc (09022015). Collection method: clinical testing. Allele origin: germline.

Ambry Genetics
Classification: Likely benign for Cardiovascular phenotype. Last evaluated: 2020-11-12. Review status: criteria provided, single submitter. Criteria: Ambry Variant Classification Scheme 2023. Collection method: clinical testing. Allele origin: germline.

Laboratory for Molecular Medicine, Mass General Brigham Personalized Medicine
Classification: Likely benign. Last evaluated: 2014-03-10. Review status: criteria provided, single submitter. Criteria: LMM Criteria. Collection method: clinical testing. Allele origin: germline. Observed: 1 variant allele.
Comment: Cys30110Cys in exon 300 of TTN: This variant is not expected to have clinical si gnificance because it does not alter an amino acid residue and is not located wi thin the splice consensus sequence. Cys30110Cys in exon 300 of TTN (allele freq uency = n/a)

NM_001267550.2(TTN):c.98034T>C (p.Cys32678=)

Genes: TTN (titin; minus strand), TTN-AS1 (TTN antisense RNA 1; plus strand). Cytogenetic location: 2q31.2.
Variant type: single nucleotide variant.
Coding change: c.98034T>C on transcript NM_001267550.2 (MANE Select); coding-DNA position 98034, T replaced by C.
Protein change: p.Cys32678=; no amino-acid change (cysteine 32678 retained).
Molecular consequence: synonymous variant. On other transcripts: non-coding transcript variant (1).
Genome position (GRCh38, 1-based): chr2:178,540,132, A>G on the plus strand (T>C on the coding strand, the complement: TTN is on the minus strand). VCF-style: chr2-178540132-A-G. GRCh37 (hg19) VCF-style: chr2-179404859-A-G.
Other names: c.90330T>C, p.Cys30110= (NM_133378.4); c.93111T>C, p.Cys31037= (NM_001256850.1); c.70839T>C, p.Cys23613= (NM_003319.4); c.71214T>C, p.Cys23738= (NM_133432.3); c.71415T>C, p.Cys23805= (NM_133437.4).
Identifiers: ClinVar variation 179529 (VCV000179529.9), dbSNP rs727504928, ClinGen allele CA184609.